The following is an entry in ClinVar:

NM_000048.4(ASL):c.2T>C (p.Met1Thr)

Gene: ASL (argininosuccinate lyase; plus strand). Cytogenetic location: 7q11.21.
Variant type: single nucleotide variant.
Coding change: c.2T>C on transcript NM_000048.4 (MANE Select); coding-DNA position 2, T replaced by C.
Protein change: p.Met1Thr; changes the start codon (methionine 1).
Molecular consequence: missense variant, initiator codon variant.
Genome position (GRCh38, 1-based): chr7:66,076,083, T>C. VCF-style: chr7-66076083-T-C. GRCh37 (hg19) VCF-style: chr7-65541070-T-C.
Other names: c.2T>C, p.Met1Thr (NM_001024944.2, NM_001024946.2, NM_001024943.2); short protein forms M1T.
Identifiers: ClinVar variation 4061682 (VCV004061682.2).

ClinVar aggregate classification (germline): Likely pathogenic (1 of 4 stars; one submission).

Conditions:
Argininosuccinate lyase deficiency. Also called: ARGININOSUCCINIC ACID LYASE DEFICIENCY; ASL DEFICIENCY; Argininosuccinic aciduria. Identifiers: Orphanet 23, MedGen C0268547, MONDO:0008815, OMIM 207900, HP:0025630.

Submission:

Natera, Inc.
Classification: Likely pathogenic for Argininosuccinate lyase deficiency. Last evaluated: 2025-02-04. Review status: criteria provided, single submitter. Criteria: Natera Variant Classification Schema (03/2026). Collection method: clinical testing. Allele origin: germline.
Comment: The c.2T>C variant in ASL is predicted to result in start loss due to disruption of the initiator methionine. This variant is expected to result in nonsense mediated decay, truncation, or a dysfunctional protein product. This variant is rare in the general population with a frequency below the threshold expected for the associated phenotype(s). Given the available evidence, this variant is classified as Likely Pathogenic.